The following is an entry in ClinVar:

NM_017433.5(MYO3A):c.2793+2del

Gene: MYO3A (myosin IIIA; plus strand). Cytogenetic location: 10p12.1.
Variant type: Deletion.
Coding change: c.2793+2del on transcript NM_017433.5 (MANE Select); the canonical splice donor site of the intron after coding-DNA position 2793, one base deleted (T; older notation c.2793+2delT).
Molecular consequence: splice donor variant.
Genome position (GRCh38, 1-based): chr10:26,154,825, T deleted. VCF-style (leftmost placement, unchanged base first): chr10-26154824-GT-G. GRCh37 (hg19) VCF-style: chr10-26443753-GT-G.
Identifiers: ClinVar variation 2029212 (VCV002029212.4), dbSNP rs2493786124, ClinGen allele CA2574514877.

ClinVar aggregate classification (germline): Likely pathogenic (1 of 4 stars; one submission).

Submission:

Labcorp Genetics (formerly Invitae), Labcorp
Classification: Likely pathogenic. Last evaluated: 2022-07-08. Review status: criteria provided, single submitter. Criteria: Invitae Variant Classification Sherloc (09022015). Collection method: clinical testing. Allele origin: germline.
Comment: In summary, the currently available evidence indicates that the variant is pathogenic, but additional data are needed to prove that conclusively. Therefore, this variant has been classified as Likely Pathogenic. Algorithms developed to predict the effect of sequence changes on RNA splicing suggest that this variant may disrupt the consensus splice site. This variant has not been reported in the literature in individuals affected with MYO3A-related conditions. This variant is not present in population databases (gnomAD no frequency). This sequence change affects a splice site in intron 25 of the MYO3A gene. It is expected to disrupt RNA splicing. Variants that disrupt the donor or acceptor splice site typically lead to a loss of protein function (PMID: 16199547), and loss-of-function variants in MYO3A are known to be pathogenic (PMID: 12032315, 23990876).

Literature cited by the submitters: PubMed 16199547; PubMed 12032315; PubMed 23990876.